The following is an entry in ClinVar:

NM_032043.3(BRIP1):c.243A>C (p.Glu81Asp)

Gene: BRIP1 (BRCA1 interacting DNA helicase 1; minus strand). Cytogenetic location: 17q23.2.
Variant type: single nucleotide variant.
Coding change: c.243A>C on transcript NM_032043.3 (MANE Select); coding-DNA position 243, A replaced by C.
Protein change: p.Glu81Asp; replaces glutamic acid 81 with aspartic acid.
Molecular consequence: missense variant.
Genome position (GRCh38, 1-based): chr17:61,857,194, T>G on the plus strand (A>C on the coding strand, the complement: BRIP1 is on the minus strand). VCF-style: chr17-61857194-T-G. GRCh37 (hg19) VCF-style: chr17-59934555-T-G.
Other names: short protein forms E81D.
Identifiers: ClinVar variation 2949536 (VCV002949536.3), dbSNP rs2145830608, ClinGen allele CA400485548.

ClinVar aggregate classification (germline): Uncertain significance (1 of 4 stars; one submission).

Conditions:
Fanconi anemia complementation group J. Also called: BRIP1-Related Fanconi Anemia. Identifiers: Orphanet 84, MedGen C1836860, MONDO:0012187, OMIM 609054.
Familial cancer of breast. Also called: BREAST CANCER, FAMILIAL; Hereditary breast cancer; hereditary breast carcinoma. Identifiers: Orphanet 227535, MedGen C0346153, MONDO:0016419, OMIM 114480. Disease mechanism: loss of function.

Submission:

Labcorp Genetics (formerly Invitae), Labcorp
Classification: Uncertain significance for Familial cancer of breast; Fanconi anemia complementation group J. Last evaluated: 2024-04-15. Review status: criteria provided, single submitter. Criteria: Invitae Variant Classification Sherloc (09022015). Collection method: clinical testing. Allele origin: germline.
Comment: This sequence change replaces glutamic acid, which is acidic and polar, with aspartic acid, which is acidic and polar, at codon 81 of the BRIP1 protein (p.Glu81Asp). This variant is not present in population databases (gnomAD no frequency). This variant has not been reported in the literature in individuals affected with BRIP1-related conditions. Advanced modeling of protein sequence and biophysical properties (such as structural, functional, and spatial information, amino acid conservation, physicochemical variation, residue mobility, and thermodynamic stability) performed at Invitae indicates that this missense variant is not expected to disrupt BRIP1 protein function with a negative predictive value of 80%. In summary, the available evidence is currently insufficient to determine the role of this variant in disease. Therefore, it has been classified as a Variant of Uncertain Significance.